The following is an entry in ClinVar:

ClinVar aggregate classification (germline): Uncertain significance (1 of 4 stars; one submission).

Conditions:
Purine-nucleoside phosphorylase deficiency. Also called: Immunodeficiency due to purine nucleoside phosphorylase deficiency; NUCLEOSIDE PHOSPHORYLASE DEFICIENCY. Identifiers: Orphanet 760, MedGen C0268125, MONDO:0013171, OMIM 613179.

Submission:

Labcorp Genetics (formerly Invitae), Labcorp
Classification: Uncertain significance for Purine-nucleoside phosphorylase deficiency. Last evaluated: 2024-03-14. Review status: criteria provided, single submitter. Criteria: Invitae Variant Classification Sherloc (09022015). Collection method: clinical testing. Allele origin: germline.
Comment: This sequence change replaces alanine, which is neutral and non-polar, with valine, which is neutral and non-polar, at codon 263 of the PNP protein (p.Ala263Val). This variant is not present in population databases (gnomAD no frequency). This variant has not been reported in the literature in individuals affected with PNP-related conditions. Advanced modeling of protein sequence and biophysical properties (such as structural, functional, and spatial information, amino acid conservation, physicochemical variation, residue mobility, and thermodynamic stability) performed at Invitae indicates that this missense variant is not expected to disrupt PNP protein function with a negative predictive value of 80%. In summary, the available evidence is currently insufficient to determine the role of this variant in disease. Therefore, it has been classified as a Variant of Uncertain Significance.

NM_000270.4(PNP):c.788C>T (p.Ala263Val)

Gene: PNP (purine nucleoside phosphorylase; plus strand). Cytogenetic location: 14q11.2.
Variant type: single nucleotide variant.
Coding change: c.788C>T on transcript NM_000270.4 (MANE Select); coding-DNA position 788, C replaced by T.
Protein change: p.Ala263Val; replaces alanine 263 with valine.
Molecular consequence: missense variant.
Genome position (GRCh38, 1-based): chr14:20,476,519, C>T. VCF-style: chr14-20476519-C-T. GRCh37 (hg19) VCF-style: chr14-20944678-C-T.
Other names: short protein forms A263V.
Identifiers: ClinVar variation 3674961 (VCV003674961.2).